The following is an entry in ClinVar:

NM_033028.5(BBS4):c.1073A>G (p.Lys358Arg)

Gene: BBS4 (Bardet-Biedl syndrome 4; plus strand). Cytogenetic location: 15q24.1.
Variant type: single nucleotide variant.
Coding change: c.1073A>G on transcript NM_033028.5 (MANE Select); coding-DNA position 1073, A replaced by G.
Protein change: p.Lys358Arg; replaces lysine 358 with arginine.
Molecular consequence: missense variant. On other transcripts: non-coding transcript variant (2).
Genome position (GRCh38, 1-based): chr15:72,735,149, A>G. VCF-style: chr15-72735149-A-G. GRCh37 (hg19) VCF-style: chr15-73027490-A-G.
Other names: c.557A>G, p.Lys186Arg (NM_001252678.2); c.1004A>G, p.Lys335Arg (NM_001320665.2); c.1073A>G (NM_033028.4); short protein forms K186R, K358R, K335R.
Identifiers: ClinVar variation 1356447 (VCV001356447.5), dbSNP rs149577332, ClinGen allele CA7646880.

ClinVar aggregate classification (germline): Uncertain significance. Review status: criteria provided, multiple submitters, no conflicts (2 of 4 stars). 3 submissions from 3 submitters: Uncertain significance (2). 1 of the submissions does not count toward it. Last evaluated 2022-07-30.

Conditions:
Bardet-Biedl syndrome 4 (BBS4). Identifiers: Orphanet 110, MedGen C2936864, MONDO:0014433, OMIM 615982.
Bardet-Biedl syndrome (BBS). Identifiers: Orphanet 110, MedGen C0752166, MONDO:0015229.
BBS4-related disorder. Also called: BBS4-related condition.

Allele frequency attached by ClinVar (database versions not stated): gnomAD exomes below 0.00001 and 0.00002; ExAC 0.00003; gnomAD 0.00004 and 0.00005; TOPMed 0.00004; ESP Exome Variant Server 0.00015; 1000 Genomes Project 30x 0.00031; 1000 Genomes Project 0.00040.
gnomAD v4.1: 16 of 1,613,830 alleles (0.00099%); highest among the groups gnomAD compares: African/African-American, 0.013%; no homozygotes.

Submissions (3):

Labcorp Genetics (formerly Invitae), Labcorp
Classification: Uncertain significance for Bardet-Biedl syndrome. Last evaluated: 2022-07-30. Review status: criteria provided, single submitter. Criteria: Invitae Variant Classification Sherloc (09022015). Collection method: clinical testing. Allele origin: germline.
Comment: This sequence change replaces lysine, which is basic and polar, with arginine, which is basic and polar, at codon 358 of the BBS4 protein (p.Lys358Arg). This variant is present in population databases (rs149577332, gnomAD 0.03%). This variant has not been reported in the literature in individuals affected with BBS4-related conditions. ClinVar contains an entry for this variant (Variation ID: 1356447). Algorithms developed to predict the effect of missense changes on protein structure and function output the following: SIFT: "Tolerated"; PolyPhen-2: "Benign"; Align-GVGD: "Class C0". The arginine amino acid residue is found in multiple mammalian species, which suggests that this missense change does not adversely affect protein function. In summary, the available evidence is currently insufficient to determine the role of this variant in disease. Therefore, it has been classified as a Variant of Uncertain Significance.

Fulgent Genetics
Classification: Uncertain significance for Bardet-Biedl syndrome 4. Last evaluated: 2021-11-18. Review status: criteria provided, single submitter. Criteria: ACMG Guidelines, 2015. Collection method: clinical testing. Allele origin: unknown.

PreventionGenetics, part of Exact Sciences
Classification: Uncertain significance for BBS4-related condition. Last evaluated: 2024-03-20. Review status: no assertion criteria provided. Collection method: clinical testing. Allele origin: germline. Not counted in ClinVar's aggregate classification.
Comment: The BBS4 c.1073A>G variant is predicted to result in the amino acid substitution p.Lys358Arg. To our knowledge, this variant has not been reported in the literature. This variant is reported in 0.037% of alleles in individuals of African descent in gnomAD. At this time, the clinical significance of this variant is uncertain due to the absence of conclusive functional and genetic evidence.